The following is an entry in ClinVar:

NM_024548.4(CEP97):c.1079A>G (p.Gln360Arg)

Gene: CEP97 (centrosomal protein 97; plus strand). Cytogenetic location: 3q12.3.
Variant type: single nucleotide variant.
Coding change: c.1079A>G on transcript NM_024548.4 (MANE Select); coding-DNA position 1079, A replaced by G.
Protein change: p.Gln360Arg; replaces glutamine 360 with arginine.
Molecular consequence: missense variant. On other transcripts: intron variant (2).
Genome position (GRCh38, 1-based): chr3:101,757,685, A>G. VCF-style: chr3-101757685-A-G. GRCh37 (hg19) VCF-style: chr3-101476529-A-G.
Other names: c.977A>G, p.Gln326Arg (NM_001410784.1); c.1028-126A>G (NM_001303401.2); c.926-126A>G (NM_001410785.1); short protein forms Q360R, Q326R.
Identifiers: ClinVar variation 2895715 (VCV002895715.3), dbSNP rs746948564, ClinGen allele CA2522064.

ClinVar aggregate classification (germline): Uncertain significance (1 of 4 stars; one submission).

Allele frequency attached by ClinVar (database versions not stated): ExAC 0.00001.

Submission:

Labcorp Genetics (formerly Invitae), Labcorp
Classification: Uncertain significance. Last evaluated: 2023-10-17. Review status: criteria provided, single submitter. Criteria: Invitae Variant Classification Sherloc (09022015). Collection method: clinical testing. Allele origin: germline.
Comment: This sequence change replaces glutamine, which is neutral and polar, with arginine, which is basic and polar, at codon 360 of the CEP97 protein (p.Gln360Arg). This variant is present in population databases (rs746948564, gnomAD 0.006%). This variant has not been reported in the literature in individuals affected with CEP97-related conditions. Advanced modeling of protein sequence and biophysical properties (such as structural, functional, and spatial information, amino acid conservation, physicochemical variation, residue mobility, and thermodynamic stability) performed at Invitae indicates that this missense variant is not expected to disrupt CEP97 protein function. In summary, the available evidence is currently insufficient to determine the role of this variant in disease. Therefore, it has been classified as a Variant of Uncertain Significance.